The following is an entry in ClinVar:

ClinVar aggregate classification (germline): Uncertain significance (1 of 4 stars; one submission).

Submission:

GeneDx
Classification: Uncertain significance. Last evaluated: 2022-08-29. Review status: criteria provided, single submitter. Criteria: GeneDx Variant Classification Process June 2021. Collection method: clinical testing. Allele origin: germline. Affected: yes.
Comment: Not observed at significant frequency in large population cohorts (gnomAD); In silico analysis supports that this missense variant has a deleterious effect on protein structure/function; Has not been previously published as pathogenic or benign to our knowledge

NM_001256627.2(BRSK2):c.1756C>T (p.Pro586Ser)

Gene: BRSK2 (BR serine/threonine kinase 2; plus strand). Cytogenetic location: 11p15.5.
Variant type: single nucleotide variant.
Coding change: c.1756C>T on transcript NM_001256627.2 (MANE Select); coding-DNA position 1756, C replaced by T.
Protein change: p.Pro586Ser; replaces proline 586 with serine.
Molecular consequence: missense variant. On other transcripts: non-coding transcript variant (1).
Genome position (GRCh38, 1-based): chr11:1,456,435, C>T. VCF-style: chr11-1456435-C-T. GRCh37 (hg19) VCF-style: chr11-1477665-C-T.
Other names: c.1756C>T, p.Pro586Ser (NM_001256629.2, NM_003957.4); c.1894C>T, p.Pro632Ser (NM_001256630.1); c.1576C>T, p.Pro526Ser (NM_001282218.2); short protein forms P526S, P586S, P632S.
Identifiers: ClinVar variation 2442675 (VCV002442675.1), dbSNP rs2539769447, ClinGen allele CA379079696.